The following is an entry in ClinVar:

NM_007294.4(BRCA1):c.4185+10G>T

Gene: BRCA1 (BRCA1 DNA repair associated; minus strand). Cytogenetic location: 17q21.31.
Variant type: single nucleotide variant.
Coding change: c.4185+10G>T on transcript NM_007294.4 (MANE Select); 10 bases into the intron after coding-DNA position 4185, G replaced by T.
Molecular consequence: intron variant.
Genome position (GRCh38, 1-based): chr17:43,090,934, C>A on the plus strand (G>T on the coding strand, the complement: BRCA1 is on the minus strand). VCF-style: chr17-43090934-C-A. GRCh37 (hg19) VCF-style: chr17-41242951-C-A.
Other names: c.735+10G>T (NM_001408458.1, NM_001408469.1, NM_001408453.1 and 11 more transcripts); c.3297+10G>T (NM_001407967.1, NM_001407966.1); c.3804+10G>T (NM_001407959.1, NM_001407963.1, NM_001407960.1); c.3918+10G>T (NM_001407931.1, NM_001407932.1, NM_001407934.1 and 2 more transcripts); c.4041+10G>T (NM_001407747.1, NM_001407848.1, NM_001407839.1 and 20 more transcripts); c.3801+10G>T (NM_001407962.1); c.372+10G>T (NM_001408512.1); c.495+10G>T (NM_001408510.1); and 41 more.
Identifiers: ClinVar variation 2682410 (VCV002682410.2), dbSNP rs80358104, ClinGen allele CA2697559873.

ClinVar aggregate classification (germline): Likely benign. Review status: criteria provided, multiple submitters, no conflicts (2 of 4 stars). 2 submissions from 2 submitters: Likely benign (2). Last evaluated 2025-08-28.

Submissions (2):

Quest Diagnostics Nichols Institute San Juan Capistrano
Classification: Likely benign. Last evaluated: 2025-08-28. Review status: criteria provided, single submitter. Criteria: Quest Diagnostics criteria. Collection method: clinical testing. Allele origin: unknown.

Women's Health and Genetics/Laboratory Corporation of America, LabCorp
Classification: Likely benign. Last evaluated: 2023-11-08. Review status: criteria provided, single submitter. Criteria: LabCorp Variant Classification Summary - May 2015. Collection method: clinical testing. Allele origin: germline.
Comment: Variant summary: BRCA1 c.4185+10G>T alters a nucleotide located at a position not widely known to affect splicing. Consensus agreement among computation tools predict no significant impact on normal splicing. However, these predictions have yet to be confirmed by functional studies. The variant was absent in 237410 control chromosomes. The available data on variant occurrences in the general population are insufficient to allow any conclusion about variant significance. To our knowledge, no occurrence of c.4185+10G>T in individuals affected with Hereditary Breast And Ovarian Cancer Syndrome and no experimental evidence demonstrating its impact on protein function have been reported. No submitters have cited clinical-significance assessments for this variant to ClinVar after 2014. Based on the evidence outlined above, the variant was classified as likely benign.